The following is an entry in ClinVar:

NM_052813.5(CARD9):c.1153G>C (p.Val385Leu)

Gene: CARD9 (caspase recruitment domain family member 9; minus strand). Cytogenetic location: 9q34.3.
Variant type: single nucleotide variant.
Coding change: c.1153G>C on transcript NM_052813.5 (MANE Select); coding-DNA position 1153, G replaced by C.
Protein change: p.Val385Leu; replaces valine 385 with leucine.
Molecular consequence: missense variant.
Genome position (GRCh38, 1-based): chr9:136,367,753, C>G on the plus strand (G>C on the coding strand, the complement: CARD9 is on the minus strand). VCF-style: chr9-136367753-C-G. GRCh37 (hg19) VCF-style: chr9-139262205-C-G.
Other names: p.Val385Leu; c.1153G>C, p.Val385Leu (NM_052814.4); short protein forms V385L.
Identifiers: ClinVar variation 365838 (VCV000365838.46), dbSNP rs3124993, ClinGen allele CA5332808.
Genomic context (GRCh38, chr9:136,367,753, plus strand): 5'-GCGCCTCACACTGGAACACCTGCAGCTGCAGCTCATCCGCCTTCTCGCCCAGCTCCCGCA[C>G]CTGCTTGCGCAGCGCGTCCTTCTCCTGCAGGCCCCGGGCGTGCTGTGCGTGCAGCTCCTC-3'
Protein context (NP_434700.2, residues 375-395): LQEKDALRKQ[Val385Leu]RELGEKADEL

ClinVar aggregate classification (germline): Benign/Likely benign. Review status: criteria provided, multiple submitters, no conflicts (2 of 4 stars). 7 submissions from 7 submitters: Benign (3); Likely benign (3). 1 of the submissions does not count toward it. Last evaluated 2026-05-01.

Conditions:
CARD9-related disorder. Also called: CARD9-related condition.
Predisposition to invasive fungal disease due to CARD9 deficiency (IMD103). Also called: IMMUNODEFICIENCY 103, SUSCEPTIBILITY TO FUNGAL INFECTIONS; Candidiasis, familial, 2, autosomal recessive; CARD9 IMMUNODEFICIENCY. Identifiers: Orphanet 457088, MedGen C1859353, MONDO:0008905, OMIM 212050.

Allele frequency attached by ClinVar (database versions not stated): 1000 Genomes Project 0.00539; 1000 Genomes Project 30x 0.00593; TOPMed 0.01327; ESP Exome Variant Server 0.01589; ExAC 0.01714.
gnomAD v4.1: 32,360 of 1,605,422 alleles (2%); highest among the groups gnomAD compares: Non-Finnish European, 2.4%; 410 homozygotes.

Submissions (7):

CeGaT Center for Human Genetics Tuebingen
Classification: Benign. Last evaluated: 2026-05-01. Review status: criteria provided, single submitter. Criteria: CeGaT Center For Human Genetics Tuebingen Variant Classification Criteria Version 2. Collection method: clinical testing. Allele origin: germline. Affected: yes. Observed: 9 variant alleles.
Comment: CARD9: BS1, BS2

Labcorp Genetics (formerly Invitae), Labcorp
Classification: Benign for Predisposition to invasive fungal disease due to CARD9 deficiency. Last evaluated: 2026-02-02. Review status: criteria provided, single submitter. Criteria: Invitae Variant Classification Sherloc (09022015). Collection method: clinical testing. Allele origin: germline.

Blueprint Genetics
Classification: Likely benign. Last evaluated: 2024-11-27. Review status: criteria provided, single submitter. Criteria: ACMG Guidelines, 2015. Collection method: clinical testing. Allele origin: germline.

Mayo Clinic Laboratories, Mayo Clinic
Classification: Benign. Last evaluated: 2023-06-20. Review status: criteria provided, single submitter. Criteria: ACMG Guidelines, 2015. Collection method: clinical testing. Allele origin: germline. Observed: 2 variant alleles.
Comment: BS1, BS2

Illumina Laboratory Services, Illumina
Classification: Likely benign for Predisposition to invasive fungal disease due to CARD9 deficiency. Last evaluated: 2017-04-27. Review status: criteria provided, single submitter. Criteria: ICSL Variant Classification Criteria 13 December 2019. Collection method: clinical testing. Allele origin: germline.
Comment: This variant was observed as part of a predisposition screen in an ostensibly healthy population. A literature search was performed for the gene, cDNA change, and amino acid change (where applicable). No publications were found based on this search. Allele frequency data from public databases allowed determination this variant is unlikely to cause disease. Therefore, this variant is classified as likely benign.

Breakthrough Genomics
Classification: Likely benign. Review status: criteria provided, single submitter. Criteria: ACMG Guidelines, 2015. Collection method: not provided. Allele origin: germline. Inheritance: Autosomal recessive inheritance. Affected: yes.

PreventionGenetics, part of Exact Sciences
Classification: Benign for CARD9-related condition. Last evaluated: 2019-09-09. Review status: no assertion criteria provided. Collection method: clinical testing. Allele origin: germline. Not counted in ClinVar's aggregate classification.
Comment: This variant is classified as benign based on ACMG/AMP sequence variant interpretation guidelines (Richards et al. 2015 PMID: 25741868, with internal and published modifications).

Literature cited by the submitters: PubMed 26038974 (cited by Mayo Clinic Laboratories, Mayo Clinic).